The following is an entry in ClinVar:

ClinVar aggregate classification (germline): Uncertain significance (1 of 4 stars; one submission).

Conditions:
Early-infantile DEE. Also called: Early infantile epileptic encephalopathy; Ohtahara syndrome; Early infantile epileptic encephalopathy with suppression bursts. Identifiers: Orphanet 1934, MedGen C0393706, MONDO:0800491.

Submission:

Labcorp Genetics (formerly Invitae), Labcorp
Classification: Uncertain significance for Early-infantile DEE. Last evaluated: 2022-06-08. Review status: criteria provided, single submitter. Criteria: Invitae Variant Classification Sherloc (09022015). Collection method: clinical testing. Allele origin: germline.
Comment: In summary, the available evidence is currently insufficient to determine the role of this variant in disease. Therefore, it has been classified as a Variant of Uncertain Significance. Algorithms developed to predict the effect of missense changes on protein structure and function (SIFT, PolyPhen-2, Align-GVGD) all suggest that this variant is likely to be tolerated. This variant has not been reported in the literature in individuals affected with SPTAN1-related conditions. This variant is not present in population databases (gnomAD no frequency). This sequence change replaces glutamine, which is neutral and polar, with arginine, which is basic and polar, at codon 1972 of the SPTAN1 protein (p.Gln1972Arg).

NM_001130438.3(SPTAN1):c.5915A>G (p.Gln1972Arg)

Gene: SPTAN1 (spectrin alpha, non-erythrocytic 1; plus strand). Cytogenetic location: 9q34.11.
Variant type: single nucleotide variant.
Coding change: c.5915A>G on transcript NM_001130438.3 (MANE Select); coding-DNA position 5915, A replaced by G.
Protein change: p.Gln1972Arg; replaces glutamine 1972 with arginine.
Molecular consequence: missense variant.
Genome position (GRCh38, 1-based): chr9:128,624,410, A>G. VCF-style: chr9-128624410-A-G. GRCh37 (hg19) VCF-style: chr9-131386689-A-G.
Other names: c.5840A>G, p.Gln1947Arg (NM_001195532.2); c.5915A>G, p.Gln1972Arg (NM_001363759.2, NM_001375310.1, NM_001375311.2 and 1 more transcripts); c.5855A>G, p.Gln1952Arg (NM_001363765.2, NM_001375314.2); c.5951A>G, p.Gln1984Arg (NM_001375312.2, NM_001375318.1); c.5900A>G, p.Gln1967Arg (NM_003127.4); short protein forms Q1952R, Q1972R, Q1947R, Q1967R, Q1984R.
Identifiers: ClinVar variation 2001162 (VCV002001162.4), dbSNP rs2542144191, ClinGen allele CA375082453.